The following is an entry in ClinVar:

ClinVar aggregate classification (germline): Likely pathogenic (1 of 4 stars; one submission).

Submission:

Dasa
Classification: Likely pathogenic. Last evaluated: 2026-02-21. Review status: criteria provided, single submitter. Criteria: DASA Assertion Criteria. Collection method: clinical testing. Allele origin: germline.
Comment: NM_000369.5(TSHR):c.913_922del (p.Ser305Alafs*8) is a frameshift variant in TSHR predicted to alter the reading frame and introduce a premature termination codon and is predicted to result in an absent or altered protein product. Loss of function is an established disease mechanism for TSHR-associated disorders. Also, this variant is rare in population databases. Based on the currently available evidence, this variant is classified as likely pathogenic.

NM_000369.5(TSHR):c.913_922del (p.Ser305fs)

Genes: TSHR (thyroid stimulating hormone receptor; plus strand), TSHR-AS1 (TSHR antisense RNA 1; minus strand). Cytogenetic location: 14q31.1.
Variant type: Deletion.
Coding change: c.913_922del on transcript NM_000369.5 (MANE Select); coding-DNA positions 913 to 922, 10 bases deleted (AGTATGCAGA; older notation c.913_922delAGTATGCAGA).
Protein change: p.Ser305fs; shifts the reading frame from serine 305.
Molecular consequence: frameshift variant.
Genome position (GRCh38, 1-based): chr14:81,142,971-81,142,980, AGTATGCAGA deleted. VCF-style (leftmost placement, unchanged base first): chr14-81142970-CAGTATGCAGA-C. GRCh37 (hg19) VCF-style: chr14-81609314-CAGTATGCAGA-C.
Other names: short protein forms S305fs.
Identifiers: ClinVar variation 4880792 (VCV004880792.2).